The following is an entry in ClinVar:

NM_000122.2(ERCC3):c.2106G>A (p.Ala702=)

Gene: ERCC3 (ERCC excision repair 3, TFIIH core complex helicase subunit; minus strand). Cytogenetic location: 2q14.3.
Variant type: single nucleotide variant.
Coding change: c.2106G>A on transcript NM_000122.2 (MANE Select); coding-DNA position 2106, G replaced by A.
Protein change: p.Ala702=; no amino-acid change (alanine 702 retained).
Molecular consequence: synonymous variant.
Genome position (GRCh38, 1-based): chr2:127,259,407, C>T on the plus strand (G>A on the coding strand, the complement: ERCC3 is on the minus strand). VCF-style: chr2-127259407-C-T. GRCh37 (hg19) VCF-style: chr2-128016983-C-T.
Other names: c.1914G>A, p.Ala638= (NM_001303416.2, NM_001303418.2).
Identifiers: ClinVar variation 331074 (VCV000331074.38), dbSNP rs114508982, ClinGen allele CA1858081.

ClinVar aggregate classification (germline): Conflicting classifications of pathogenicity. Review status: criteria provided, conflicting classifications (1 of 4 stars). 5 submissions from 5 submitters: Uncertain significance (1); Likely benign (4). Last evaluated 2026-01-24.

Conditions:
Xeroderma pigmentosum (XP). Identifiers: Orphanet 910, MedGen C0043346, MONDO:0019600.
Xeroderma pigmentosum group B. Also called: XP, GROUP B; XPB/CS; XERODERMA PIGMENTOSUM B/COCKAYNE SYNDROME; ERCC3-Related Xeroderma Pigmentosum. Identifiers: MedGen C0268136, MONDO:0012531, OMIM 610651.

Allele frequency attached by ClinVar (database versions not stated): gnomAD exomes 0.00004 and 0.00011; gnomAD 0.00006 and 0.00011; TOPMed 0.00006; ESP Exome Variant Server 0.00008; ExAC 0.00010; 1000 Genomes Project 30x 0.00109; 1000 Genomes Project 0.00120.
gnomAD v4.1: 82 of 1,614,204 alleles (0.0051%); highest among the groups gnomAD compares: East Asian, 0.11%; no homozygotes.

Submissions (5):

Labcorp Genetics (formerly Invitae), Labcorp
Classification: Likely benign. Last evaluated: 2026-01-24. Review status: criteria provided, single submitter. Criteria: Invitae Variant Classification Sherloc (09022015). Collection method: clinical testing. Allele origin: germline.

Blueprint Genetics
Classification: Likely benign. Last evaluated: 2024-04-04. Review status: criteria provided, single submitter. Criteria: ACMG Guidelines, 2015. Collection method: clinical testing. Allele origin: germline.

CeGaT Center for Human Genetics Tuebingen
Classification: Likely benign. Last evaluated: 2023-08-01. Review status: criteria provided, single submitter. Criteria: CeGaT Center For Human Genetics Tuebingen Variant Classification Criteria Version 2. Collection method: clinical testing. Allele origin: germline. Affected: yes. Observed: 1 variant allele.
Comment: ERCC3: BP4, BP7

Sema4
Classification: Likely benign for Xeroderma pigmentosum. Last evaluated: 2022-02-28. Review status: criteria provided, single submitter. Criteria: Sema4 Curation Guidelines. Collection method: curation. Allele origin: germline.

Illumina Laboratory Services, Illumina
Classification: Uncertain significance for Xeroderma pigmentosum group B. Last evaluated: 2018-01-12. Review status: criteria provided, single submitter. Criteria: ICSL Variant Classification Criteria 13 December 2019. Collection method: clinical testing. Allele origin: germline.